The following is an entry in ClinVar:

ClinVar aggregate classification (germline): Uncertain significance (0 of 4 stars; one submission).

Conditions:
PURA-related disorder. Also called: PURA-related condition.

Submission:

PreventionGenetics, part of Exact Sciences
Classification: Uncertain significance for PURA-related condition. Last evaluated: 2024-06-20. Review status: no assertion criteria provided. Collection method: clinical testing. Allele origin: germline.
Comment: The PURA c.964G>A variant is predicted to result in the amino acid substitution p.Asp322Asn. To our knowledge, this variant has not been reported in the literature or in a large population database, indicating this variant is rare. At this time, the clinical significance of this variant is uncertain due to the absence of conclusive functional and genetic evidence.

NM_005859.5(PURA):c.964G>A (p.Asp322Asn)

Gene: PURA (purine rich element binding protein A; plus strand). Cytogenetic location: 5q31.3.
Variant type: single nucleotide variant.
Coding change: c.964G>A on transcript NM_005859.5 (MANE Select); coding-DNA position 964, G replaced by A.
Protein change: p.Asp322Asn; replaces aspartic acid 322 with asparagine.
Molecular consequence: missense variant.
Genome position (GRCh38, 1-based): chr5:140,115,145, G>A. VCF-style: chr5-140115145-G-A. GRCh37 (hg19) VCF-style: chr5-139494730-G-A.
Other names: short protein forms D322N.
Identifiers: ClinVar variation 3358808 (VCV003358808.1).